The following is an entry in ClinVar:

ClinVar aggregate classification (germline): Uncertain significance (1 of 4 stars; one submission).

Conditions:
MHC class II deficiency. Also called: Bare lymphocyte syndrome 2; BLS, TYPE II. Identifiers: Orphanet 572, MedGen C5447452, MONDO:0008855.

Allele frequency attached by ClinVar (database versions not stated): gnomAD exomes below 0.00001.
gnomAD v4.1: 1 of 1,613,252 alleles (0.000062%); highest among the groups gnomAD compares: Non-Finnish European, 0.000085%; no homozygotes.

Submission:

Labcorp Genetics (formerly Invitae), Labcorp
Classification: Uncertain significance for MHC class II deficiency. Last evaluated: 2019-05-29. Review status: criteria provided, single submitter. Criteria: Invitae Variant Classification Sherloc (09022015). Collection method: clinical testing. Allele origin: germline.
Comment: This sequence change replaces arginine with lysine at codon 240 of the RFXAP protein (p.Arg240Lys). The arginine residue is highly conserved and there is a small physicochemical difference between arginine and lysine. This variant is not present in population databases (ExAC no frequency). This variant has not been reported in the literature in individuals with RFXAP-related conditions. Algorithms developed to predict the effect of missense changes on protein structure and function (SIFT, PolyPhen-2, Align-GVGD) all suggest that this variant is likely to be disruptive, but these predictions have not been confirmed by published functional studies and their clinical significance is uncertain. In summary, the available evidence is currently insufficient to determine the role of this variant in disease. Therefore, it has been classified as a Variant of Uncertain Significance.

NM_000538.4(RFXAP):c.719G>A (p.Arg240Lys)

Gene: RFXAP (regulatory factor X associated protein; plus strand). Cytogenetic location: 13q13.3.
Variant type: single nucleotide variant.
Coding change: c.719G>A on transcript NM_000538.4 (MANE Select); coding-DNA position 719, G replaced by A.
Protein change: p.Arg240Lys; replaces arginine 240 with lysine.
Molecular consequence: missense variant.
Genome position (GRCh38, 1-based): chr13:36,827,653, G>A. VCF-style: chr13-36827653-G-A. GRCh37 (hg19) VCF-style: chr13-37401790-G-A.
Other names: short protein forms R240K.
Identifiers: ClinVar variation 950515 (VCV000950515.9), dbSNP rs2057982517, ClinGen allele CA387858257.